The following is an entry in ClinVar:

ClinVar aggregate classification (germline): Uncertain significance (1 of 4 stars; one submission).

Conditions:
Epileptic encephalopathy. Identifiers: MedGen C0543888, HP:0200134.

Submission:

Labcorp Genetics (formerly Invitae), Labcorp
Classification: Uncertain significance for Epileptic encephalopathy. Last evaluated: 2021-08-12. Review status: criteria provided, single submitter. Criteria: Invitae Variant Classification Sherloc (09022015). Collection method: clinical testing. Allele origin: germline.
Comment: This variant is a gross deletion of the genomic region encompassing exon(s) 52-104 of the RYR3 gene, which includes the termination codon. This deletion extends beyond the assayed region for this gene and therefore may encompass additional genes. While this deletion is not anticipated to lead to nonsense mediated decay, it is expected to alter mRNA translation or result in a truncated protein product. This variant has not been reported in the literature in individuals affected with RYR3-related conditions. Experimental studies and prediction algorithms are not available or were not evaluated, and the functional significance of this variant is currently unknown. In summary, the available evidence is currently insufficient to determine the role of this variant in disease. Therefore, it has been classified as a Variant of Uncertain Significance.

NC_000015.10:g.(?_33742346)_(33866065_?)del

Genes: AVEN (apoptosis and caspase activation inhibitor; minus strand), RYR3 (ryanodine receptor 3; plus strand), LOC126862094 (CDK7 strongly-dependent group 2 enhancer GRCh37_chr15:34145183-34146382; plus strand), LOC126862095 (CDK7 strongly-dependent group 2 enhancer GRCh37_chr15:34150522-34151721; plus strand), LOC132090300 (Neanderthal introgressed variant-containing enhancer experimental_39317; plus strand). Cytogenetic location: 15q14.
Variant type: Deletion.
Identifiers: ClinVar variation 461823 (VCV000461823.4).